The following is an entry in ClinVar:

NM_001144869.3(LIPT2):c.589A>C (p.Lys197Gln)

Gene: LIPT2 (lipoyl(octanoyl) transferase 2; minus strand). Cytogenetic location: 11q13.4.
Variant type: single nucleotide variant.
Coding change: c.589A>C on transcript NM_001144869.3 (MANE Select); coding-DNA position 589, A replaced by C.
Protein change: p.Lys197Gln; replaces lysine 197 with glutamine.
Molecular consequence: missense variant. On other transcripts: 3 prime UTR variant (2).
Genome position (GRCh38, 1-based): chr11:74,492,242, T>G on the plus strand (A>C on the coding strand, the complement: LIPT2 is on the minus strand). VCF-style: chr11-74492242-T-G. GRCh37 (hg19) VCF-style: chr11-74203287-T-G.
Other names: c.*3A>C (NM_001329941.2, NM_001329942.2); short protein forms K197Q.
Identifiers: ClinVar variation 1466643 (VCV001466643.6), dbSNP rs1864355452, ClinGen allele CA381976061.

ClinVar aggregate classification (germline): Uncertain significance (1 of 4 stars; one submission).

Allele frequency attached by ClinVar (database versions not stated): TOPMed below 0.00001; gnomAD 0.00001.

Submission:

Labcorp Genetics (formerly Invitae), Labcorp
Classification: Uncertain significance. Last evaluated: 2024-02-24. Review status: criteria provided, single submitter. Criteria: Invitae Variant Classification Sherloc (09022015). Collection method: clinical testing. Allele origin: germline.
Comment: This sequence change replaces lysine with glutamine at codon 197 of the LIPT2 protein (p.Lys197Gln). The lysine residue is weakly conserved and there is a small physicochemical difference between lysine and glutamine. This variant is not present in population databases (gnomAD no frequency). This variant has not been reported in the literature in individuals affected with LIPT2-related conditions. ClinVar contains an entry for this variant (Variation ID: 1466643). Algorithms developed to predict the effect of missense changes on protein structure and function output the following: SIFT: "Not Available"; PolyPhen-2: "Benign"; Align-GVGD: "Not Available". The glutamine amino acid residue is found in multiple mammalian species, which suggests that this missense change does not adversely affect protein function. In summary, the available evidence is currently insufficient to determine the role of this variant in disease. Therefore, it has been classified as a Variant of Uncertain Significance.